The following is an entry in ClinVar:

ClinVar aggregate classification (germline): Uncertain significance (1 of 4 stars; one submission).

Submission:

Labcorp Genetics (formerly Invitae), Labcorp
Classification: Uncertain significance. Last evaluated: 2025-06-22. Review status: criteria provided, single submitter. Criteria: Invitae Variant Classification Sherloc (09022015). Collection method: clinical testing. Allele origin: germline.
Comment: This sequence change replaces arginine, which is basic and polar, with methionine, which is neutral and non-polar, at codon 79 of the DNAH9 protein (p.Arg79Met). This variant is not present in population databases (gnomAD no frequency). This variant has not been reported in the literature in individuals affected with DNAH9-related conditions. Invitae Evidence Modeling of protein sequence and biophysical properties (such as structural, functional, and spatial information, amino acid conservation, physicochemical variation, residue mobility, and thermodynamic stability) indicates that this missense variant is not expected to disrupt DNAH9 protein function with a negative predictive value of 80%. In summary, the available evidence is currently insufficient to determine the role of this variant in disease. Therefore, it has been classified as a Variant of Uncertain Significance.

NM_001372.4(DNAH9):c.236G>T (p.Arg79Met)

Gene: DNAH9 (dynein axonemal heavy chain 9; plus strand). Cytogenetic location: 17p12.
Variant type: single nucleotide variant.
Coding change: c.236G>T on transcript NM_001372.4 (MANE Select); coding-DNA position 236, G replaced by T.
Protein change: p.Arg79Met; replaces arginine 79 with methionine.
Molecular consequence: missense variant.
Genome position (GRCh38, 1-based): chr17:11,598,734, G>T. VCF-style: chr17-11598734-G-T. GRCh37 (hg19) VCF-style: chr17-11502051-G-T.
Other names: short protein forms R79M.
Identifiers: ClinVar variation 4742842 (VCV004742842.1).